The following is an entry in ClinVar:

ClinVar aggregate classification (germline): Uncertain significance. Review status: criteria provided, multiple submitters, no conflicts (2 of 4 stars). 2 submissions from 2 submitters: Uncertain significance (2). Last evaluated 2024-04-01.

gnomAD v4.1: 66 of 1,609,170 alleles (0.0041%); highest among the groups gnomAD compares: Non-Finnish European, 0.0051%; no homozygotes.

Submissions (2):

CeGaT Center for Human Genetics Tuebingen
Classification: Uncertain significance. Last evaluated: 2024-04-01. Review status: criteria provided, single submitter. Criteria: CeGaT Center For Human Genetics Tuebingen Variant Classification Criteria Version 2. Collection method: clinical testing. Allele origin: germline. Affected: yes. Observed: 1 variant allele.

GeneDx
Classification: Uncertain significance. Last evaluated: 2020-06-19. Review status: criteria provided, single submitter. Criteria: GeneDx Variant Classification Process June 2021. Collection method: clinical testing. Allele origin: germline. Affected: yes.
Comment: In silico analysis supports that this missense variant has a deleterious effect on protein structure/function; Has not been previously published as pathogenic or benign to our knowledge

NM_007118.4(TRIO):c.7424C>G (p.Pro2475Arg)

Gene: TRIO (trio Rho guanine nucleotide exchange factor; plus strand). Cytogenetic location: 5p15.2.
Variant type: single nucleotide variant.
Coding change: c.7424C>G on transcript NM_007118.4 (MANE Select); coding-DNA position 7424, C replaced by G.
Protein change: p.Pro2475Arg; replaces proline 2475 with arginine.
Molecular consequence: missense variant.
Genome position (GRCh38, 1-based): chr5:14,488,052, C>G. VCF-style: chr5-14488052-C-G. GRCh37 (hg19) VCF-style: chr5-14488161-C-G.
Other names: short protein forms P2475R.
Identifiers: ClinVar variation 1312726 (VCV001312726.22), dbSNP rs768715447, ClinGen allele CA3207414.
Genomic context (GRCh38, chr5:14,488,052, plus strand): 5'-CGCCGCTGAACTCGCCGCTCTCCAGCGCGGTCCCTTCTCTCGGCAAGGAGCCCTTCCCCC[C>G]CAGCAGCCCCCTGCAGAAGGGGGGCTCCTTCTGGAGCTCCATCCCCGCCTCCCCCGCCAG-3'
Protein context (NP_009049.2, residues 2465-2485): VPSLGKEPFP[Pro2475Arg]SSPLQKGGSF